The following is an entry in ClinVar:

NM_007347.5(AP4E1):c.250C>A (p.Leu84Ile)

Gene: AP4E1 (adaptor related protein complex 4 subunit epsilon 1; plus strand). Cytogenetic location: 15q21.2.
Variant type: single nucleotide variant.
Coding change: c.250C>A on transcript NM_007347.5 (MANE Select); coding-DNA position 250, C replaced by A.
Protein change: p.Leu84Ile; replaces leucine 84 with isoleucine.
Molecular consequence: missense variant.
Genome position (GRCh38, 1-based): chr15:50,915,475, C>A. VCF-style: chr15-50915475-C-A. GRCh37 (hg19) VCF-style: chr15-51207672-C-A.
Other names: c.25C>A, p.Leu9Ile (NM_001252127.2); short protein forms L84I, L9I.
Identifiers: ClinVar variation 2178455 (VCV002178455.4), dbSNP rs748732933, ClinGen allele CA7558706.

ClinVar aggregate classification (germline): Uncertain significance (1 of 4 stars; one submission).

Conditions:
Spastic paraplegia. Identifiers: MedGen C0037772, HP:0001258.

Allele frequency attached by ClinVar (database versions not stated): ExAC 0.00001; gnomAD exomes 0.00001.
gnomAD v4.1: 11 of 1,613,284 alleles (0.00068%); highest among the groups gnomAD compares: Non-Finnish European, 0.00068%; no homozygotes.

Submission:

Labcorp Genetics (formerly Invitae), Labcorp
Classification: Uncertain significance for Spastic paraplegia. Last evaluated: 2022-03-20. Review status: criteria provided, single submitter. Criteria: Invitae Variant Classification Sherloc (09022015). Collection method: clinical testing. Allele origin: germline.
Comment: This sequence change replaces leucine, which is neutral and non-polar, with isoleucine, which is neutral and non-polar, at codon 84 of the AP4E1 protein (p.Leu84Ile). This variant is present in population databases (rs748732933, gnomAD 0.0009%). This variant has not been reported in the literature in individuals affected with AP4E1-related conditions. Algorithms developed to predict the effect of missense changes on protein structure and function (SIFT, PolyPhen-2, Align-GVGD) all suggest that this variant is likely to be tolerated. In summary, the available evidence is currently insufficient to determine the role of this variant in disease. Therefore, it has been classified as a Variant of Uncertain Significance.